The following is an entry in ClinVar:

NM_001999.4(FBN2):c.4884A>C (p.Glu1628Asp)

Gene: FBN2 (fibrillin 2; minus strand). Cytogenetic location: 5q23.3.
Variant type: single nucleotide variant.
Coding change: c.4884A>C on transcript NM_001999.4 (MANE Select); coding-DNA position 4884, A replaced by C.
Protein change: p.Glu1628Asp; replaces glutamic acid 1628 with aspartic acid.
Molecular consequence: missense variant.
Genome position (GRCh38, 1-based): chr5:128,311,949, T>G on the plus strand (A>C on the coding strand, the complement: FBN2 is on the minus strand). VCF-style: chr5-128311949-T-G. GRCh37 (hg19) VCF-style: chr5-127647641-T-G.
Other names: short protein forms E1628D.
Identifiers: ClinVar variation 1743804 (VCV001743804.6), dbSNP rs371650846, ClinGen allele CA3394832.

ClinVar aggregate classification (germline): Uncertain significance. Review status: criteria provided, multiple submitters, no conflicts (2 of 4 stars). 3 submissions from 3 submitters: Uncertain significance (3). Last evaluated 2025-12-08.

Conditions:
Congenital contractural arachnodactyly (CCA). Also called: BEALS SYNDROME; Arthrogryposis, distal, type 9; Beals-Hecht syndrome. Identifiers: Orphanet 115, MedGen C0220668, MONDO:0007363, OMIM 121050.
Familial thoracic aortic aneurysm and aortic dissection (TAAD). Also called: Thoracic aortic aneurysms and dissections. Identifiers: Orphanet 91387, MedGen C4707243, MONDO:0019625.

Allele frequency attached by ClinVar (database versions not stated): gnomAD exomes 0.00001; ExAC 0.00003; ESP Exome Variant Server 0.00008.
gnomAD v4.1: 9 of 1,608,802 alleles (0.00056%); highest among the groups gnomAD compares: Non-Finnish European, 0.00077%; no homozygotes.

Submissions (3):

Labcorp Genetics (formerly Invitae), Labcorp
Classification: Uncertain significance for Congenital contractural arachnodactyly. Last evaluated: 2025-12-08. Review status: criteria provided, single submitter. Criteria: Invitae Variant Classification Sherloc (09022015). Collection method: clinical testing. Allele origin: germline.
Comment: This sequence change replaces glutamic acid, which is acidic and polar, with aspartic acid, which is acidic and polar, at codon 1628 of the FBN2 protein (p.Glu1628Asp). This variant is present in population databases (rs371650846, gnomAD 0.004%). This variant has not been reported in the literature in individuals affected with FBN2-related conditions. ClinVar contains an entry for this variant (Variation ID: 1743804). Invitae Evidence Modeling of protein sequence and biophysical properties (such as structural, functional, and spatial information, amino acid conservation, physicochemical variation, residue mobility, and thermodynamic stability) indicates that this missense variant is not expected to disrupt FBN2 protein function with a negative predictive value of 80%. In summary, the available evidence is currently insufficient to determine the role of this variant in disease. Therefore, it has been classified as a Variant of Uncertain Significance.

GeneDx
Classification: Uncertain significance. Last evaluated: 2023-07-12. Review status: criteria provided, single submitter. Criteria: GeneDx Variant Classification Process June 2021. Collection method: clinical testing. Allele origin: germline. Affected: yes.
Comment: Not observed at significant frequency in large population cohorts (gnomAD); In silico analysis supports that this missense variant does not alter protein structure/function; Has not been previously published as pathogenic or benign to our knowledge

Ambry Genetics
Classification: Uncertain significance for Familial thoracic aortic aneurysm and aortic dissection. Last evaluated: 2020-02-24. Review status: criteria provided, single submitter. Criteria: Ambry Variant Classification Scheme 2023. Collection method: clinical testing. Allele origin: germline.
Comment: The p.E1628D variant (also known as c.4884A>C), located in coding exon 38 of the FBN2 gene, results from an A to C substitution at nucleotide position 4884. The glutamic acid at codon 1628 is replaced by aspartic acid, an amino acid with highly similar properties. This amino acid position is well conserved in available vertebrate species; however, aspartic acid is the reference amino acid in other vertebrate species. In addition, the in silico prediction for this alteration is inconclusive. Since supporting evidence is limited at this time, the clinical significance of this alteration remains unclear.